The following is an entry in ClinVar:

ClinVar aggregate classification (germline): Uncertain significance (1 of 4 stars; one submission).

Conditions:
Cardiovascular phenotype. Identifiers: MedGen CN230736.

Submission:

Ambry Genetics
Classification: Uncertain significance for Cardiovascular phenotype. Last evaluated: 2026-01-20. Review status: criteria provided, single submitter. Criteria: Ambry Variant Classification Scheme 2023. Collection method: clinical testing. Allele origin: germline.
Comment: The p.G470W variant (also known as c.1408G>T), located in coding exon 11 of the ENG gene, results from a G to T substitution at nucleotide position 1408. The glycine at codon 470 is replaced by tryptophan, an amino acid with highly dissimilar properties. This amino acid position is conserved. In addition, the in silico prediction for this alteration is inconclusive. Based on the available evidence, the clinical significance of this variant remains unclear.

NM_001114753.3(ENG):c.1408G>T (p.Gly470Trp)

Genes: ENG (endoglin; minus strand), LOC102723566 (uncharacterized LOC102723566; plus strand). Cytogenetic location: 9q34.11.
Variant type: single nucleotide variant.
Coding change: c.1408G>T on transcript NM_001114753.3 (MANE Select); coding-DNA position 1408, G replaced by T.
Protein change: p.Gly470Trp; replaces glycine 470 with tryptophan.
Molecular consequence: missense variant.
Genome position (GRCh38, 1-based): chr9:127,818,736, C>A on the plus strand (G>T on the coding strand, the complement: ENG is on the minus strand). VCF-style: chr9-127818736-C-A. GRCh37 (hg19) VCF-style: chr9-130581015-C-A.
Other names: c.1408G>T, p.Gly470Trp (NM_000118.4); c.862G>T, p.Gly288Trp (NM_001278138.2); short protein forms G288W, G470W.
Identifiers: ClinVar variation 4824971 (VCV004824971.1).